The following is an entry in ClinVar:

NM_024757.5(EHMT1):c.1610A>G (p.Asn537Ser)

Genes: EHMT1 (euchromatic histone lysine methyltransferase 1; plus strand), LOC130003148 (ATAC-STARR-seq lymphoblastoid active region 29369; plus strand). Cytogenetic location: 9q34.3.
Variant type: single nucleotide variant.
Coding change: c.1610A>G on transcript NM_024757.5 (MANE Select); coding-DNA position 1610, A replaced by G.
Protein change: p.Asn537Ser; replaces asparagine 537 with serine.
Molecular consequence: missense variant.
Genome position (GRCh38, 1-based): chr9:137,762,783, A>G. VCF-style: chr9-137762783-A-G. GRCh37 (hg19) VCF-style: chr9-140657235-A-G.
Other names: c.1610A>G, p.Asn537Ser (NM_001145527.2, NM_001354611.2); c.1517A>G, p.Asn506Ser (NM_001354259.2, NM_001354612.2); c.1589A>G, p.Asn530Ser (NM_001354263.2); short protein forms N506S, N530S, N537S.
Identifiers: ClinVar variation 3609250 (VCV003609250.2).

ClinVar aggregate classification (germline): Uncertain significance (1 of 4 stars; one submission).

Conditions:
Kleefstra syndrome 1 (KLEFS1). Identifiers: Orphanet 261494, MedGen C0795833, MONDO:0027407, OMIM 610253.

Submission:

Labcorp Genetics (formerly Invitae), Labcorp
Classification: Uncertain significance for Kleefstra syndrome 1. Last evaluated: 2024-02-22. Review status: criteria provided, single submitter. Criteria: Invitae Variant Classification Sherloc (09022015). Collection method: clinical testing. Allele origin: germline.
Comment: This sequence change replaces asparagine, which is neutral and polar, with serine, which is neutral and polar, at codon 537 of the EHMT1 protein (p.Asn537Ser). This variant is not present in population databases (gnomAD no frequency). This variant has not been reported in the literature in individuals affected with EHMT1-related conditions. Advanced modeling of protein sequence and biophysical properties (such as structural, functional, and spatial information, amino acid conservation, physicochemical variation, residue mobility, and thermodynamic stability) performed at Invitae indicates that this missense variant is not expected to disrupt EHMT1 protein function with a negative predictive value of 80%. In summary, the available evidence is currently insufficient to determine the role of this variant in disease. Therefore, it has been classified as a Variant of Uncertain Significance.